The following is an entry in ClinVar:

NM_000380.4(XPA):c.773G>A (p.Arg258His)

Gene: XPA (XPA, DNA damage recognition and repair factor; minus strand). Cytogenetic location: 9q22.33.
Variant type: single nucleotide variant.
Coding change: c.773G>A on transcript NM_000380.4 (MANE Select); coding-DNA position 773, G replaced by A.
Protein change: p.Arg258His; replaces arginine 258 with histidine.
Molecular consequence: missense variant. On other transcripts: non-coding transcript variant (5).
Genome position (GRCh38, 1-based): chr9:97,675,488, C>T on the plus strand (G>A on the coding strand, the complement: XPA is on the minus strand). VCF-style: chr9-97675488-C-T. GRCh37 (hg19) VCF-style: chr9-100437770-C-T.
Other names: c.647G>A, p.Arg216His (NM_001354975.2); short protein forms R216H, R258H.
Identifiers: ClinVar variation 1692421 (VCV001692421.1), dbSNP rs763929562, ClinGen allele CA5148679.

ClinVar aggregate classification (germline): Uncertain significance (1 of 4 stars; one submission).

Conditions:
Xeroderma pigmentosum (XP). Identifiers: Orphanet 910, MedGen C0043346, MONDO:0019600.

Allele frequency attached by ClinVar (database versions not stated): gnomAD 0.00005 and 0.00006; TOPMed 0.00008.

Submission:

Sema4
Classification: Uncertain significance for Xeroderma pigmentosum. Last evaluated: 2022-01-12. Review status: criteria provided, single submitter. Criteria: Sema4 Curation Guidelines. Collection method: curation. Allele origin: germline.
Comment: The XPA c.773G>A (p.R258H) variant has not been reported in the literature to our knowledge. It was observed in 2/16252 chromosomes of the African/African American subpopulation in the large and broad cohorts of the Genome Aggregation Database (PMID: 32461654). The variant has not been reported in ClinVar. Functional studies have not been performed, and in silico predictions of the variant's effect on protein function are inconclusive. The evidence is insufficient to meet ACMG/AMP criteria for classifying the variant as benign or pathogenic. Thus, the clinical significance of this variant is currently uncertain.